The following is an entry in ClinVar:

ClinVar aggregate classification (germline): Likely benign. Review status: criteria provided, multiple submitters, no conflicts (2 of 4 stars). 2 submissions from 2 submitters: Likely benign (2). Last evaluated 2026-04-01.

Allele frequency attached by ClinVar (database versions not stated): gnomAD exomes below 0.00001; ExAC 0.00002.
gnomAD v4.1: 6 of 1,613,868 alleles (0.00037%); highest among the groups gnomAD compares: Non-Finnish European, 0.00042%; no homozygotes.

Submissions (2):

CeGaT Center for Human Genetics Tuebingen
Classification: Likely benign. Last evaluated: 2026-04-01. Review status: criteria provided, single submitter. Criteria: CeGaT Center For Human Genetics Tuebingen Variant Classification Criteria Version 2. Collection method: clinical testing. Allele origin: germline. Affected: yes. Observed: 1 variant allele.
Comment: CNOT1: BP4, BP7

Labcorp Genetics (formerly Invitae), Labcorp
Classification: Likely benign. Last evaluated: 2022-09-09. Review status: criteria provided, single submitter. Criteria: Invitae Variant Classification Sherloc (09022015). Collection method: clinical testing. Allele origin: germline.

NM_016284.5(CNOT1):c.3456C>T (p.Phe1152=)

Gene: CNOT1 (CCR4-NOT transcription complex subunit 1; minus strand). Cytogenetic location: 16q21.
Variant type: single nucleotide variant.
Coding change: c.3456C>T on transcript NM_016284.5 (MANE Select); coding-DNA position 3456, C replaced by T.
Protein change: p.Phe1152=; no amino-acid change (phenylalanine 1152 retained).
Molecular consequence: synonymous variant. On other transcripts: non-coding transcript variant (1).
Genome position (GRCh38, 1-based): chr16:58,549,785, G>A on the plus strand (C>T on the coding strand, the complement: CNOT1 is on the minus strand). VCF-style: chr16-58549785-G-A. GRCh37 (hg19) VCF-style: chr16-58583689-G-A.
Other names: c.3441C>T, p.Phe1147= (NM_001265612.2); c.3456C>T, p.Phe1152= (NM_206999.3).
Identifiers: ClinVar variation 1972814 (VCV001972814.7), dbSNP rs764816573, ClinGen allele CA8089441.